The following is an entry in ClinVar:

ClinVar aggregate classification (germline): Uncertain significance (1 of 4 stars; one submission).

Conditions:
Inborn genetic diseases. Identifiers: MedGen C0950123, MeSH D030342.

gnomAD v4.1: 1 of 1,585,978 alleles (0.000063%); highest among the groups gnomAD compares: South Asian, 0.0011%; no homozygotes.

Submission:

Ambry Genetics
Classification: Uncertain significance for Inborn genetic diseases. Last evaluated: 2025-11-08. Review status: criteria provided, single submitter. Criteria: Ambry Variant Classification Scheme 2023. Collection method: clinical testing. Allele origin: germline.
Comment: The p.L1338V variant (also known as c.4012T>G), located in coding exon 28 of the ANKRD26 gene, results from a T to G substitution at nucleotide position 4012. The leucine at codon 1338 is replaced by valine, an amino acid with highly similar properties. This amino acid position is conserved. In addition, this alteration is predicted to be tolerated by in silico analysis. Based on the available evidence, the clinical significance of this variant remains unclear.

NM_014915.3(ANKRD26):c.4012T>G (p.Leu1338Val)

Gene: ANKRD26 (ankyrin repeat domain 26; minus strand). Cytogenetic location: 10p12.1.
Variant type: single nucleotide variant.
Coding change: c.4012T>G on transcript NM_014915.3 (MANE Select); coding-DNA position 4012, T replaced by G.
Protein change: p.Leu1338Val; replaces leucine 1338 with valine.
Molecular consequence: missense variant.
Genome position (GRCh38, 1-based): chr10:27,024,520, A>C on the plus strand (T>G on the coding strand, the complement: ANKRD26 is on the minus strand). VCF-style: chr10-27024520-A-C. GRCh37 (hg19) VCF-style: chr10-27313449-A-C.
Other names: c.4009T>G, p.Leu1337Val (NM_001256053.2); short protein forms L1337V, L1338V.
Identifiers: ClinVar variation 4579872 (VCV004579872.1).